The following is an entry in ClinVar:

ClinVar aggregate classification (germline): Uncertain significance (1 of 4 stars; one submission).

Conditions:
Charcot-Marie-Tooth disease, type I (CMT1). Also called: Charcot-Marie-Tooth, Type 1; Charcot-Marie-Tooth disease type 1. Identifiers: Orphanet 65753, MedGen C0751036, MONDO:0019011.

Allele frequency attached by ClinVar (database versions not stated): gnomAD exomes below 0.00001.

Submission:

Labcorp Genetics (formerly Invitae), Labcorp
Classification: Uncertain significance for Charcot-Marie-Tooth disease, type I. Last evaluated: 2024-01-28. Review status: criteria provided, single submitter. Criteria: Invitae Variant Classification Sherloc (09022015). Collection method: clinical testing. Allele origin: germline.
Comment: This sequence change replaces alanine, which is neutral and non-polar, with valine, which is neutral and non-polar, at codon 33 of the EGR2 protein (p.Ala33Val). This variant is present in population databases (no rsID available, gnomAD 0.0009%). This variant has not been reported in the literature in individuals affected with EGR2-related conditions. Advanced modeling of protein sequence and biophysical properties (such as structural, functional, and spatial information, amino acid conservation, physicochemical variation, residue mobility, and thermodynamic stability) has been performed at Invitae for this missense variant, however the output from this modeling did not meet the statistical confidence thresholds required to predict the impact of this variant on EGR2 protein function. In summary, the available evidence is currently insufficient to determine the role of this variant in disease. Therefore, it has been classified as a Variant of Uncertain Significance.

NM_000399.5(EGR2):c.98C>T (p.Ala33Val)

Gene: EGR2 (early growth response 2; minus strand). Cytogenetic location: 10q21.3.
Variant type: single nucleotide variant.
Coding change: c.98C>T on transcript NM_000399.5 (MANE Select); coding-DNA position 98, C replaced by T.
Protein change: p.Ala33Val; replaces alanine 33 with valine.
Molecular consequence: missense variant. On other transcripts: 5 prime UTR variant (2).
Genome position (GRCh38, 1-based): chr10:62,815,932, G>A on the plus strand (C>T on the coding strand, the complement: EGR2 is on the minus strand). VCF-style: chr10-62815932-G-A. GRCh37 (hg19) VCF-style: chr10-64575692-G-A.
Other names: c.98C>T, p.Ala33Val (NM_001136177.3, NM_001136178.2); c.-53C>T (NM_001136179.3, NM_001321037.2); c.137C>T, p.Ala46Val (NM_001410931.1); short protein forms A33V, A46V.
Identifiers: ClinVar variation 2713881 (VCV002713881.3), dbSNP rs1263170644, ClinGen allele CA377034268.